The following is an entry in ClinVar:

NM_183050.4(BCKDHB):c.274+2T>C

Gene: BCKDHB (branched chain keto acid dehydrogenase E1 subunit beta; plus strand). Cytogenetic location: 6q14.1.
Variant type: single nucleotide variant.
Coding change: c.274+2T>C on transcript NM_183050.4 (MANE Select); the canonical splice donor site of the intron after coding-DNA position 274, T replaced by C.
Molecular consequence: splice donor variant. On other transcripts: non-coding transcript variant (1).
Genome position (GRCh38, 1-based): chr6:80,127,626, T>C. VCF-style: chr6-80127626-T-C. GRCh37 (hg19) VCF-style: chr6-80837343-T-C.
Other names: c.64+2T>C (NM_001318975.1, NM_001424043.1); c.274+2T>C (NM_001424037.1, NM_001424036.1, NM_001424035.1 and 8 more transcripts).
Identifiers: ClinVar variation 2844311 (VCV002844311.4), dbSNP rs2481559722, ClinGen allele CA364659121.
Genomic context (GRCh38, chr6:80,127,626, plus strand): 5'-TCTTTTCCAGTCTGTAACAAGTGCCTTGGATAACTCATTGGCCAAAGATCCTACTGCAGG[T>C]AACCCTGATATGTGCCTGAATTGTGGTAGCTGTGTTAATTCCAGAATTGAAGATTTGCTT-3'

ClinVar aggregate classification (germline): Likely pathogenic. Review status: criteria provided, multiple submitters, no conflicts (2 of 4 stars). 2 submissions from 2 submitters: Likely pathogenic (2). Last evaluated 2024-02-27.

Conditions:
Maple syrup urine disease type 1B (MSUD1B). Also called: MSUD type IB; MSUD type 3 (formerly); MSUD due to deficiency of e1-beta subunit of branched-chain alpha-keto acid dehydrogenase complex. Identifiers: MedGen C2930990, MONDO:0023692, OMIM 620698.
Maple syrup urine disease (MSUD). Identifiers: Orphanet 511, MedGen C0024776, MeSH D008375, MONDO:0009563. Disease mechanism: loss of function.

Submissions (2):

Fulgent Genetics
Classification: Likely pathogenic for Maple syrup urine disease type 1B. Last evaluated: 2024-02-27. Review status: criteria provided, single submitter. Criteria: ACMG Guidelines, 2015. Collection method: clinical testing. Allele origin: germline.

Labcorp Genetics (formerly Invitae), Labcorp
Classification: Likely pathogenic for Maple syrup urine disease. Last evaluated: 2023-03-08. Review status: criteria provided, single submitter. Criteria: Invitae Variant Classification Sherloc (09022015). Collection method: clinical testing. Allele origin: germline.
Comment: This sequence change affects a donor splice site in intron 2 of the BCKDHB gene. It is expected to disrupt RNA splicing. Variants that disrupt the donor or acceptor splice site typically lead to a loss of protein function (PMID: 16199547), and loss-of-function variants in BCKDHB are known to be pathogenic (PMID: 16786533, 22593002). This variant is not present in population databases (gnomAD no frequency). This variant has not been reported in the literature in individuals affected with BCKDHB-related conditions. Algorithms developed to predict the effect of sequence changes on RNA splicing suggest that this variant may disrupt the consensus splice site. In summary, the currently available evidence indicates that the variant is pathogenic, but additional data are needed to prove that conclusively. Therefore, this variant has been classified as Likely Pathogenic.

Literature cited by the submitters: PubMed 16199547 (cited by Labcorp Genetics (formerly Invitae), Labcorp); PubMed 16786533 (cited by Labcorp Genetics (formerly Invitae), Labcorp); PubMed 22593002 (cited by Labcorp Genetics (formerly Invitae), Labcorp).